The following is an entry in ClinVar:

ClinVar aggregate classification (germline): Uncertain significance (1 of 4 stars; one submission).

Submission:

Women's Health and Genetics/Laboratory Corporation of America, LabCorp
Classification: Uncertain significance. Last evaluated: 2026-01-02. Review status: criteria provided, single submitter. Criteria: LabCorp Variant Classification Summary - May 2015. Collection method: clinical testing. Allele origin: germline.
Comment: Variant summary: HBA1 c.166G>A (p.Val56Ile) results in a conservative amino acid change in the encoded protein sequence. Algorithms developed to predict the effect of missense changes on protein structure and function all suggest that this variant is likely to be tolerated. The variant was absent in 138368 control chromosomes. The available data on variant occurrences in the general population are insufficient to allow any conclusion about variant significance. To our knowledge, no occurrence of c.166G>A in individuals affected with HBA1-related conditions and no experimental evidence demonstrating its impact on protein function have been reported. No submitters have cited clinical-significance assessments for this variant to ClinVar. Based on the evidence outlined above, the variant was classified as uncertain significance.

NM_000558.5(HBA1):c.166G>A (p.Val56Ile)

Genes: HBA1 (hemoglobin subunit alpha 1; plus strand), LOC106804613 (hemoglobin subunit alpha 1 recombination region; plus strand). Cytogenetic location: 16p13.3.
Variant type: single nucleotide variant.
Coding change: c.166G>A on transcript NM_000558.5 (MANE Select); coding-DNA position 166, G replaced by A.
Protein change: p.Val56Ile; replaces valine 56 with isoleucine.
Molecular consequence: missense variant.
Genome position (GRCh38, 1-based): chr16:176,999, G>A. VCF-style: chr16-176999-G-A. GRCh37 (hg19) VCF-style: chr16-226998-G-A.
Other names: short protein forms V56I.
Identifiers: ClinVar variation 4689694 (VCV004689694.1).